The following is an entry in ClinVar:

ClinVar aggregate classification (germline): Uncertain significance (1 of 4 stars; one submission).

Conditions:
Atrioventricular septal defect 5 (AVSD5). Identifiers: MedGen C3280939, MONDO:0013769, OMIM 614474.

Submission:

Labcorp Genetics (formerly Invitae), Labcorp
Classification: Uncertain significance for Atrioventricular septal defect 5. Last evaluated: 2022-07-19. Review status: criteria provided, single submitter. Criteria: Invitae Variant Classification Sherloc (09022015). Collection method: clinical testing. Allele origin: germline.
Comment: ClinVar contains an entry for this variant (Variation ID: 1497308). This sequence change replaces histidine, which is basic and polar, with glutamine, which is neutral and polar, at codon 331 of the GATA6 protein (p.His331Gln). This variant is not present in population databases (gnomAD no frequency). This variant has not been reported in the literature in individuals affected with GATA6-related conditions. Algorithms developed to predict the effect of missense changes on protein structure and function are either unavailable or do not agree on the potential impact of this missense change (SIFT: "Tolerated"; PolyPhen-2: "Probably Damaging"; Align-GVGD: "Class C0"). Algorithms developed to predict the effect of sequence changes on RNA splicing suggest that this variant may create or strengthen a splice site. In summary, the available evidence is currently insufficient to determine the role of this variant in disease. Therefore, it has been classified as a Variant of Uncertain Significance.

NM_005257.6(GATA6):c.993C>G (p.His331Gln)

Gene: GATA6 (GATA binding protein 6; plus strand). Cytogenetic location: 18q11.2.
Variant type: single nucleotide variant.
Coding change: c.993C>G on transcript NM_005257.6 (MANE Select); coding-DNA position 993, C replaced by G.
Protein change: p.His331Gln; replaces histidine 331 with glutamine.
Molecular consequence: missense variant.
Genome position (GRCh38, 1-based): chr18:22,172,137, C>G. VCF-style: chr18-22172137-C-G. GRCh37 (hg19) VCF-style: chr18-19752098-C-G.
Other names: short protein forms H331Q.
Identifiers: ClinVar variation 1497308 (VCV001497308.6), dbSNP rs2143278462, ClinGen allele CA401801577.